The following is an entry in ClinVar:

ClinVar aggregate classification (germline): Uncertain significance. Review status: criteria provided, multiple submitters, no conflicts (2 of 4 stars). 2 submissions from 2 submitters: Uncertain significance (2). Last evaluated 2025-04-01.

Conditions:
Inborn genetic diseases. Identifiers: MedGen C0950123, MeSH D030342.

Allele frequency attached by ClinVar (database versions not stated): ExAC 0.00001; gnomAD exomes 0.00001.
gnomAD v4.1: 12 of 1,599,590 alleles (0.00075%); highest among the groups gnomAD compares: South Asian, 0.0011%; no homozygotes.

Submissions (2):

Ambry Genetics
Classification: Uncertain significance for Inborn genetic diseases. Last evaluated: 2025-04-01. Review status: criteria provided, single submitter. Criteria: Ambry Variant Classification Scheme 2023. Collection method: clinical testing. Allele origin: germline.

Labcorp Genetics (formerly Invitae), Labcorp
Classification: Uncertain significance. Last evaluated: 2022-04-14. Review status: criteria provided, single submitter. Criteria: Invitae Variant Classification Sherloc (09022015). Collection method: clinical testing. Allele origin: germline.
Comment: This sequence change replaces isoleucine, which is neutral and non-polar, with threonine, which is neutral and polar, at codon 4694 of the PCLO protein (p.Ile4694Thr). This variant is present in population databases (rs774074488, gnomAD 0.0009%). This variant has not been reported in the literature in individuals affected with PCLO-related conditions. Algorithms developed to predict the effect of missense changes on protein structure and function are either unavailable or do not agree on the potential impact of this missense change (SIFT: "Deleterious"; PolyPhen-2: "Not Available"; Align-GVGD: "Class C0"). In summary, the available evidence is currently insufficient to determine the role of this variant in disease. Therefore, it has been classified as a Variant of Uncertain Significance.

NM_033026.6(PCLO):c.14081T>C (p.Ile4694Thr)

Gene: PCLO (piccolo presynaptic cytomatrix protein; minus strand). Cytogenetic location: 7q21.11.
Variant type: single nucleotide variant.
Coding change: c.14081T>C on transcript NM_033026.6 (MANE Select); coding-DNA position 14081, T replaced by C.
Protein change: p.Ile4694Thr; replaces isoleucine 4694 with threonine.
Molecular consequence: missense variant.
Genome position (GRCh38, 1-based): chr7:82,841,475, A>G on the plus strand (T>C on the coding strand, the complement: PCLO is on the minus strand). VCF-style: chr7-82841475-A-G. GRCh37 (hg19) VCF-style: chr7-82470791-A-G.
Other names: c.14081T>C, p.Ile4694Thr (NM_014510.3); c.14081T>C (NM_033026.5); short protein forms I4694T.
Identifiers: ClinVar variation 1969881 (VCV001969881.3), dbSNP rs774074488, ClinGen allele CA4318937.